The following is an entry in ClinVar:

ClinVar aggregate classification (germline): Uncertain significance (1 of 4 stars; one submission).

Allele frequency attached by ClinVar (database versions not stated): TOPMed 0.00001.

Submission:

Labcorp Genetics (formerly Invitae), Labcorp
Classification: Uncertain significance. Last evaluated: 2023-12-05. Review status: criteria provided, single submitter. Criteria: Invitae Variant Classification Sherloc (09022015). Collection method: clinical testing. Allele origin: germline.
Comment: This sequence change replaces serine, which is neutral and polar, with threonine, which is neutral and polar, at codon 1989 of the SON protein (p.Ser1989Thr). The frequency data for this variant in the population databases is considered unreliable, as metrics indicate poor data quality at this position in the gnomAD database. This variant has not been reported in the literature in individuals affected with SON-related conditions. Experimental studies and prediction algorithms are not available or were not evaluated, and the functional significance of this variant is currently unknown. In summary, the available evidence is currently insufficient to determine the role of this variant in disease. Therefore, it has been classified as a Variant of Uncertain Significance.

NM_138927.4(SON):c.5966G>C (p.Ser1989Thr)

Gene: SON (SON DNA and RNA binding protein; plus strand). Cytogenetic location: 21q22.11.
Variant type: single nucleotide variant.
Coding change: c.5966G>C on transcript NM_138927.4 (MANE Select); coding-DNA position 5966, G replaced by C.
Protein change: p.Ser1989Thr; replaces serine 1989 with threonine.
Molecular consequence: missense variant. On other transcripts: non-coding transcript variant (1), intron variant (1).
Genome position (GRCh38, 1-based): chr21:33,555,197, G>C. VCF-style: chr21-33555197-G-C. GRCh37 (hg19) VCF-style: chr21-34927503-G-C.
Other names: c.5966G>C, p.Ser1989Thr (NM_001291411.2, NM_001412133.1, NM_032195.3 and 2 more transcripts); c.245-1959G>C (NM_001291412.3); short protein forms S1989T.
Identifiers: ClinVar variation 2903611 (VCV002903611.2), dbSNP rs761584776, ClinGen allele CA410165897.